The following is an entry in ClinVar:

NM_031885.5(BBS2):c.1353_1354insTCAGTTTTGTCATCTTT (p.Pro452fs)

Gene: BBS2 (Bardet-Biedl syndrome 2; minus strand). Cytogenetic location: 16q13.
Variant type: Insertion.
Coding change: c.1353_1354insTCAGTTTTGTCATCTTT on transcript NM_031885.5 (MANE Select); coding-DNA positions 1353 to 1354, TCAGTTTTGTCATCTTT inserted.
Protein change: p.Pro452fs; shifts the reading frame from proline 452.
Molecular consequence: frameshift variant. On other transcripts: non-coding transcript variant (2).
Genome position: GRCh38 VCF-style: chr16-56500897-G-GAAAGATGACAAAACTGA. GRCh37 (hg19) VCF-style: chr16-56534809-G-GAAAGATGACAAAACTGA.
Other names: c.1353_1354insTCAGTTTTGTCATCTTT, p.Pro452fs (NM_001377456.1); short protein forms P452fs.
Identifiers: ClinVar variation 1726668 (VCV001726668.2), dbSNP rs2543707534, ClinGen allele CA2580091661.

ClinVar aggregate classification (germline): Likely pathogenic (1 of 4 stars; one submission).

Conditions:
Bardet-Biedl syndrome 2 (BBS2). Identifiers: Orphanet 110, MedGen C2936863, MONDO:0014432, OMIM 615981.

Submission:

Myriad Genetics, Inc.
Classification: Likely pathogenic for Bardet-Biedl syndrome 2. Last evaluated: 2021-12-30. Review status: criteria provided, single submitter. Criteria: Myriad Women's Health Autosomal Recessive and X-Linked Classification Criteria (2021). Collection method: clinical testing. Allele origin: unknown.
Comment: NM_031885.3(BBS2):c.1353_1354ins17(P452Sfs*12) is expected to be pathogenic in the context of Bardet-Biedl syndrome, BBS2-related. This variant is predicted to lead to an abnormal or absent protein product due to the creation of a premature termination codon in BBS2, a gene where loss-of-function variants are known to be pathogenic. Please note: this variant was assessed in the context of healthy population screening.